The following is an entry in ClinVar:

NM_001322934.2(NFKB2):c.1990C>T (p.Arg664Cys)

Gene: NFKB2 (nuclear factor kappa B subunit 2; plus strand). Cytogenetic location: 10q24.32.
Variant type: single nucleotide variant.
Coding change: c.1990C>T on transcript NM_001322934.2 (MANE Select); coding-DNA position 1990, C replaced by T.
Protein change: p.Arg664Cys; replaces arginine 664 with cysteine.
Molecular consequence: missense variant.
Genome position (GRCh38, 1-based): chr10:102,400,968, C>T. VCF-style: chr10-102400968-C-T. GRCh37 (hg19) VCF-style: chr10-104160725-C-T.
Other names: c.1990C>T, p.Arg664Cys (NM_001077494.3, NM_001261403.3, NM_001288724.1 and 1 more transcripts); c.1864C>T, p.Arg622Cys (NM_001322935.1); short protein forms R664C, R622C.
Identifiers: ClinVar variation 4737163 (VCV004737163.1).

ClinVar aggregate classification (germline): Uncertain significance (1 of 4 stars; one submission).

Conditions:
Immunodeficiency, common variable, 10. Also called: DEFICIT IN ANTERIOR PITUITARY FUNCTION AND VARIABLE IMMUNODEFICIENCY; IMMUNODEFICIENCY, COMMON VARIABLE, WITH CENTRAL ADRENAL INSUFFICIENCY. Identifiers: MedGen C3809991, MONDO:0014260, OMIM 615577.

gnomAD v4.1: 45 of 1,613,826 alleles (0.0028%); highest among the groups gnomAD compares: Non-Finnish European, 0.0038%; no homozygotes.

Submission:

Labcorp Genetics (formerly Invitae), Labcorp
Classification: Uncertain significance for Immunodeficiency, common variable, 10. Last evaluated: 2026-01-12. Review status: criteria provided, single submitter. Criteria: Invitae Variant Classification Sherloc (09022015). Collection method: clinical testing. Allele origin: germline.
Comment: This sequence change replaces arginine, which is basic and polar, with cysteine, which is neutral and slightly polar, at codon 664 of the NFKB2 protein (p.Arg664Cys). This variant is present in population databases (rs762260947, gnomAD 0.0009%). This variant has not been reported in the literature in individuals affected with NFKB2-related conditions. An algorithm developed to predict the effect of missense changes on protein structure and function (PolyPhen-2) suggests that this variant is likely to be tolerated. In summary, the available evidence is currently insufficient to determine the role of this variant in disease. Therefore, it has been classified as a Variant of Uncertain Significance.